The following is an entry in ClinVar:

NM_017831.4(RNF125):c.532G>A (p.Asp178Asn)

Gene: RNF125 (ring finger protein 125; plus strand). Cytogenetic location: 18q12.1.
Variant type: single nucleotide variant.
Coding change: c.532G>A on transcript NM_017831.4 (MANE Select); coding-DNA position 532, G replaced by A.
Protein change: p.Asp178Asn; replaces aspartic acid 178 with asparagine.
Molecular consequence: missense variant.
Genome position (GRCh38, 1-based): chr18:32,065,929, G>A. VCF-style: chr18-32065929-G-A. GRCh37 (hg19) VCF-style: chr18-29645892-G-A.
Other names: c.532G>A (NM_017831.3); short protein forms D178N.
Identifiers: ClinVar variation 2037666 (VCV002037666.23), dbSNP rs201378700, ClinGen allele CA8930536.

ClinVar aggregate classification (germline): Conflicting classifications of pathogenicity. Review status: criteria provided, conflicting classifications (1 of 4 stars). 4 submissions from 4 submitters: Uncertain significance (1); Likely benign (3). Last evaluated 2025-06-02.

Conditions:
Inborn genetic diseases. Identifiers: MedGen C0950123, MeSH D030342.
Tenorio syndrome (TNORS). Also called: OVERGROWTH, MACROCEPHALY, AND INTELLECTUAL DISABILITY SYNDROME. Identifiers: MedGen C4015710, MONDO:0014553, OMIM 616260.

Allele frequency attached by ClinVar (database versions not stated): TOPMed 0.00010; gnomAD 0.00011.
gnomAD v4.1: 107 of 1,613,368 alleles (0.0066%); highest among the groups gnomAD compares: African/African-American, 0.013%; no homozygotes.

Submissions (4):

Labcorp Genetics (formerly Invitae), Labcorp
Classification: Uncertain significance for Tenorio syndrome. Last evaluated: 2025-06-02. Review status: criteria provided, single submitter. Criteria: Invitae Variant Classification Sherloc (09022015). Collection method: clinical testing. Allele origin: germline.
Comment: This sequence change replaces aspartic acid, which is acidic and polar, with asparagine, which is neutral and polar, at codon 178 of the RNF125 protein (p.Asp178Asn). This variant is present in population databases (rs201378700, gnomAD 0.02%). This variant has not been reported in the literature in individuals affected with RNF125-related conditions. ClinVar contains an entry for this variant (Variation ID: 2037666). An algorithm developed to predict the effect of missense changes on protein structure and function outputs the following: PolyPhen-2: "Benign". The asparagine amino acid residue is found in multiple mammalian species, which suggests that this missense change does not adversely affect protein function. In summary, the available evidence is currently insufficient to determine the role of this variant in disease. Therefore, it has been classified as a Variant of Uncertain Significance.

Blueprint Genetics
Classification: Likely benign. Last evaluated: 2024-07-10. Review status: criteria provided, single submitter. Criteria: ACMG Guidelines, 2015. Collection method: clinical testing. Allele origin: germline.

CeGaT Center for Human Genetics Tuebingen
Classification: Likely benign. Last evaluated: 2024-07-01. Review status: criteria provided, single submitter. Criteria: CeGaT Center For Human Genetics Tuebingen Variant Classification Criteria Version 2. Collection method: clinical testing. Allele origin: germline. Affected: yes. Observed: 1 variant allele.
Comment: RNF125: BP4

Ambry Genetics
Classification: Likely benign for Inborn genetic diseases. Last evaluated: 2023-11-21. Review status: criteria provided, single submitter. Criteria: Ambry Variant Classification Scheme 2023. Collection method: clinical testing. Allele origin: germline.